The following is an entry in ClinVar:

ClinVar aggregate classification (germline): Uncertain significance (1 of 4 stars; one submission).

Submission:

Labcorp Genetics (formerly Invitae), Labcorp
Classification: Uncertain significance. Last evaluated: 2025-04-03. Review status: criteria provided, single submitter. Criteria: Invitae Variant Classification Sherloc (09022015). Collection method: clinical testing. Allele origin: germline.
Comment: This sequence change replaces cysteine, which is neutral and slightly polar, with phenylalanine, which is neutral and non-polar, at codon 37 of the POMP protein (p.Cys37Phe). This variant is not present in population databases (gnomAD no frequency). This variant has not been reported in the literature in individuals affected with POMP-related conditions. An algorithm developed to predict the effect of missense changes on protein structure and function (PolyPhen-2) suggests that this variant is likely to be tolerated. In summary, the available evidence is currently insufficient to determine the role of this variant in disease. Therefore, it has been classified as a Variant of Uncertain Significance.

NM_015932.6(POMP):c.110G>T (p.Cys37Phe)

Gene: POMP (proteasome maturation protein; plus strand). Cytogenetic location: 13q12.3.
Variant type: single nucleotide variant.
Coding change: c.110G>T on transcript NM_015932.6 (MANE Select); coding-DNA position 110, G replaced by T.
Protein change: p.Cys37Phe; replaces cysteine 37 with phenylalanine.
Molecular consequence: missense variant.
Genome position (GRCh38, 1-based): chr13:28,664,517, G>T. VCF-style: chr13-28664517-G-T. GRCh37 (hg19) VCF-style: chr13-29238654-G-T.
Other names: short protein forms C37F.
Identifiers: ClinVar variation 4716693 (VCV004716693.1).